The following is an entry in ClinVar:

NM_001005361.3(DNM2):c.1512G>A (p.Thr504=)

Gene: DNM2 (dynamin 2; plus strand). Cytogenetic location: 19p13.2.
Variant type: single nucleotide variant.
Coding change: c.1512G>A on transcript NM_001005361.3 (MANE Select); coding-DNA position 1512, G replaced by A.
Protein change: p.Thr504=; no amino-acid change (threonine 504 retained).
Molecular consequence: synonymous variant.
Genome position (GRCh38, 1-based): chr19:10,805,934, G>A. VCF-style: chr19-10805934-G-A. GRCh37 (hg19) VCF-style: chr19-10916610-G-A.
Other names: c.1512G>A, p.Thr504= (NM_001005360.3, NM_001005362.3, NM_001190716.2 and 1 more transcripts).
Identifiers: ClinVar variation 533838 (VCV000533838.37), dbSNP rs767407905, ClinGen allele CA9201210.
Genomic context (GRCh38, chr19:10,805,934, plus strand): 5'-GGCATCTTGTCCACGTGAACCCTGTCTGTTCTTTGGTTTCAGTGCCCAGCAGAGGAGCAC[G>A]CAGCTGAACAAGAAGAGAGCCATCCCCAATCAGGTAGCACACCCCTCTGCAGTCTCCCGC-3'
Protein context (NP_001005361.1, residues 494-514): IGFANAQQRS[Thr504=]QLNKKRAIPN

ClinVar aggregate classification (germline): Benign/Likely benign. Review status: criteria provided, multiple submitters, no conflicts (2 of 4 stars). 6 submissions from 5 submitters: Benign (1); Likely benign (5). Last evaluated 2026-05-01.

Conditions:
Inborn genetic diseases. Identifiers: MedGen C0950123, MeSH D030342.
Autosomal dominant centronuclear myopathy. Also called: MYOTUBULAR MYOPATHY, AUTOSOMAL DOMINANT; Myopathy, centronuclear, 3. Identifiers: Orphanet 169189, MedGen C4551952, MeSH D020914, MONDO:0008048, OMIM 160150.
Charcot-Marie-Tooth disease dominant intermediate B (CMTDIB). Also called: Charcot-Marie-Tooth disease dominant intermediate 1; CMT DI1; Charcot-Marie-Tooth disease dominant intermediate I; CHARCOT-MARIE-TOOTH NEUROPATHY, DOMINANT INTERMEDIATE B. Identifiers: Orphanet 100044, Orphanet 228179, MedGen C1847902, MONDO:0011674, OMIM 606482.

Allele frequency attached by ClinVar (database versions not stated): ExAC 0.00006; gnomAD 0.00001; TOPMed 0.00004; gnomAD exomes 0.00005.
gnomAD v4.1: 54 of 1,613,988 alleles (0.0033%); highest among the groups gnomAD compares: Admixed American, 0.018%; no homozygotes.

Submissions (6):

CeGaT Center for Human Genetics Tuebingen
Classification: Likely benign. Last evaluated: 2026-05-01. Review status: criteria provided, single submitter. Criteria: CeGaT Center For Human Genetics Tuebingen Variant Classification Criteria Version 2. Collection method: clinical testing. Allele origin: germline. Affected: yes. Observed: 2 variant alleles.
Comment: DNM2: BP4, BP7

Labcorp Genetics (formerly Invitae), Labcorp
Classification: Likely benign for Charcot-Marie-Tooth disease dominant intermediate B. Last evaluated: 2024-02-24. Review status: criteria provided, single submitter. Criteria: Invitae Variant Classification Sherloc (09022015). Collection method: clinical testing. Allele origin: germline.

Ambry Genetics
Classification: Likely benign for Inborn genetic diseases. Last evaluated: 2019-07-11. Review status: criteria provided, single submitter. Criteria: Ambry Variant Classification Scheme 2023. Collection method: clinical testing. Allele origin: germline.

GeneDx
Classification: Likely benign. Last evaluated: 2018-03-19. Review status: criteria provided, single submitter. Criteria: GeneDx Variant Classification (06012015). Collection method: clinical testing. Allele origin: germline. Affected: yes.
Comment: This variant is considered likely benign or benign based on one or more of the following criteria: it is a conservative change, it occurs at a poorly conserved position in the protein, it is predicted to be benign by multiple in silico algorithms, and/or has population frequency not consistent with disease.

Illumina Laboratory Services, Illumina
Classification: Benign for Charcot-Marie-Tooth disease dominant intermediate B. Last evaluated: 2018-01-13. Review status: criteria provided, single submitter. Criteria: ICSL Variant Classification Criteria 13 December 2019. Collection method: clinical testing. Allele origin: germline.
Comment: This variant was observed in the ICSL laboratory as part of a predisposition screen in an ostensibly healthy population. It had not been previously curated by ICSL or reported in the Human Gene Mutation Database (HGMD: prior to June 1st, 2018), and was therefore a candidate for classification through an automated scoring system. Utilizing variant allele frequency, disease prevalence and penetrance estimates, and inheritance mode, an automated score was calculated to assess if this variant is too frequent to cause the disease. Based on the score and internal cut-off values, a variant classified as benign is not then subjected to further curation. The score for this variant resulted in a classification of benign for this disease.

Illumina Laboratory Services, Illumina
Classification: Likely benign for Autosomal dominant centronuclear myopathy. Last evaluated: 2018-01-13. Review status: criteria provided, single submitter. Criteria: ICSL Variant Classification Criteria 13 December 2019. Collection method: clinical testing. Allele origin: germline.
Comment: This variant was observed in the ICSL laboratory as part of a predisposition screen in an ostensibly healthy population. It had not been previously curated by ICSL or reported in the Human Gene Mutation Database (HGMD: prior to June 1st, 2018), and was therefore a candidate for classification through an automated scoring system. Utilizing variant allele frequency, disease prevalence and penetrance estimates, and inheritance mode, an automated score was calculated to assess if this variant is too frequent to cause the disease. Based on the score and internal cut-off values, a variant classified as likely benign is not then subjected to further curation. The score for this variant resulted in a classification of likely benign for this disease.